The following is an entry in ClinVar:

NM_001288705.3(CSF1R):c.2119A>G (p.Lys707Glu)

Gene: CSF1R (colony stimulating factor 1 receptor; minus strand). Cytogenetic location: 5q32.
Variant type: single nucleotide variant.
Coding change: c.2119A>G on transcript NM_001288705.3 (MANE Select); coding-DNA position 2119, A replaced by G.
Protein change: p.Lys707Glu; replaces lysine 707 with glutamic acid.
Molecular consequence: missense variant.
Genome position (GRCh38, 1-based): chr5:150,059,713, T>C on the plus strand (A>G on the coding strand, the complement: CSF1R is on the minus strand). VCF-style: chr5-150059713-T-C. GRCh37 (hg19) VCF-style: chr5-149439276-T-C.
Other names: c.2119A>G, p.Lys707Glu (NM_001349736.2, NM_001375320.1, NM_005211.4); c.1675A>G, p.Lys559Glu (NM_001375321.1); short protein forms K707E, K559E.
Identifiers: ClinVar variation 1999280 (VCV001999280.4), dbSNP rs765259030, ClinGen allele CA361761596.

ClinVar aggregate classification (germline): Uncertain significance (1 of 4 stars; one submission).

gnomAD v4.1: 1 of 1,613,928 alleles (0.000062%); highest among the groups gnomAD compares: Non-Finnish European, 0.000085%; no homozygotes.

Submission:

Labcorp Genetics (formerly Invitae), Labcorp
Classification: Uncertain significance. Last evaluated: 2022-09-01. Review status: criteria provided, single submitter. Criteria: Invitae Variant Classification Sherloc (09022015). Collection method: clinical testing. Allele origin: germline.
Comment: In summary, the available evidence is currently insufficient to determine the role of this variant in disease. Therefore, it has been classified as a Variant of Uncertain Significance. Advanced modeling of protein sequence and biophysical properties (such as structural, functional, and spatial information, amino acid conservation, physicochemical variation, residue mobility, and thermodynamic stability) performed at Invitae indicates that this missense variant is not expected to disrupt CSF1R protein function. This variant has not been reported in the literature in individuals affected with CSF1R-related conditions. This variant is not present in population databases (gnomAD no frequency). This sequence change replaces lysine, which is basic and polar, with glutamic acid, which is acidic and polar, at codon 707 of the CSF1R protein (p.Lys707Glu).